The following is an entry in ClinVar:

NM_001029.5(RPS26):c.65G>A (p.Arg22His)

Gene: RPS26 (ribosomal protein S26; plus strand). Cytogenetic location: 12q13.2.
Variant type: single nucleotide variant.
Coding change: c.65G>A on transcript NM_001029.5 (MANE Select); coding-DNA position 65, G replaced by A.
Protein change: p.Arg22His; replaces arginine 22 with histidine.
Molecular consequence: missense variant.
Genome position (GRCh38, 1-based): chr12:56,042,486, G>A. VCF-style: chr12-56042486-G-A. GRCh37 (hg19) VCF-style: chr12-56436270-G-A.
Other names: short protein forms R22H.
Identifiers: ClinVar variation 2780032 (VCV002780032.3), dbSNP rs1440126385, ClinGen allele CA385326389.

ClinVar aggregate classification (germline): Uncertain significance (1 of 4 stars; one submission).

Conditions:
Diamond-Blackfan anemia 10 (DBA10). Also called: RPS26-Related Diamond-Blackfan Anemia. Identifiers: Orphanet 124, MedGen C2750080, MONDO:0013217, OMIM 613309.

Allele frequency attached by ClinVar (database versions not stated): gnomAD exomes below 0.00001.

Submission:

Labcorp Genetics (formerly Invitae), Labcorp
Classification: Uncertain significance for Diamond-Blackfan anemia 10. Last evaluated: 2023-01-20. Review status: criteria provided, single submitter. Criteria: Invitae Variant Classification Sherloc (09022015). Collection method: clinical testing. Allele origin: germline.
Comment: This sequence change replaces arginine, which is basic and polar, with histidine, which is basic and polar, at codon 22 of the RPS26 protein (p.Arg22His). In summary, the available evidence is currently insufficient to determine the role of this variant in disease. Therefore, it has been classified as a Variant of Uncertain Significance. Algorithms developed to predict the effect of missense changes on protein structure and function are either unavailable or do not agree on the potential impact of this missense change (SIFT: "Deleterious"; PolyPhen-2: "Benign"; Align-GVGD: "Class C25"). This variant has not been reported in the literature in individuals affected with RPS26-related conditions. This variant is not present in population databases (gnomAD no frequency).